The following is an entry in ClinVar:

ClinVar aggregate classification (germline): Uncertain significance (1 of 4 stars; one submission).

Submission:

Labcorp Genetics (formerly Invitae), Labcorp
Classification: Uncertain significance. Last evaluated: 2025-03-03. Review status: criteria provided, single submitter. Criteria: Invitae Variant Classification Sherloc (09022015). Collection method: clinical testing. Allele origin: germline.
Comment: This sequence change replaces alanine, which is neutral and non-polar, with threonine, which is neutral and polar, at codon 133 of the GATAD2B protein (p.Ala133Thr). This variant is not present in population databases (gnomAD no frequency). This variant has not been reported in the literature in individuals affected with GATAD2B-related conditions. ClinVar contains an entry for this variant (Variation ID: 2005955). Invitae Evidence Modeling of protein sequence and biophysical properties (such as structural, functional, and spatial information, amino acid conservation, physicochemical variation, residue mobility, and thermodynamic stability) indicates that this missense variant is expected to disrupt GATAD2B protein function with a positive predictive value of 80%. In summary, the available evidence is currently insufficient to determine the role of this variant in disease. Therefore, it has been classified as a Variant of Uncertain Significance.

NM_020699.4(GATAD2B):c.397G>A (p.Ala133Thr)

Gene: GATAD2B (GATA zinc finger domain containing 2B; minus strand). Cytogenetic location: 1q21.3.
Variant type: single nucleotide variant.
Coding change: c.397G>A on transcript NM_020699.4 (MANE Select); coding-DNA position 397, G replaced by A.
Protein change: p.Ala133Thr; replaces alanine 133 with threonine.
Molecular consequence: missense variant.
Genome position (GRCh38, 1-based): chr1:153,819,674, C>T on the plus strand (G>A on the coding strand, the complement: GATAD2B is on the minus strand). VCF-style: chr1-153819674-C-T. GRCh37 (hg19) VCF-style: chr1-153792150-C-T.
Other names: short protein forms A133T.
Identifiers: ClinVar variation 2005955 (VCV002005955.4), dbSNP rs2525261460, ClinGen allele CA342535400.